The following is an entry in ClinVar:

NM_002742.3(PRKD1):c.1609C>T (p.Gln537Ter)

Gene: PRKD1 (protein kinase D1; minus strand). Cytogenetic location: 14q12.
Variant type: single nucleotide variant.
Coding change: c.1609C>T on transcript NM_002742.3 (MANE Select); coding-DNA position 1609, C replaced by T.
Protein change: p.Gln537Ter; replaces glutamine 537 with a stop codon.
Molecular consequence: nonsense.
Genome position (GRCh38, 1-based): chr14:29,630,805, G>A on the plus strand (C>T on the coding strand, the complement: PRKD1 is on the minus strand). VCF-style: chr14-29630805-G-A. GRCh37 (hg19) VCF-style: chr14-30100011-G-A.
Other names: c.1633C>T, p.Gln545Ter (NM_001330069.2); c.1345C>T, p.Gln449Ter (NM_001348390.1); short protein forms Q449*, Q537*, Q545*.
Identifiers: ClinVar variation 3346385 (VCV003346385.1).

ClinVar aggregate classification (germline): Uncertain significance (0 of 4 stars; one submission).

Conditions:
PRKD1-related disorder. Also called: PRKD1-related condition.

gnomAD v4.1: 4 of 1,614,098 alleles (0.00025%); highest among the groups gnomAD compares: Non-Finnish European, 0.00034%; no homozygotes.

Submission:

PreventionGenetics, part of Exact Sciences
Classification: Uncertain significance for PRKD1-related condition. Last evaluated: 2024-05-31. Review status: no assertion criteria provided. Collection method: clinical testing. Allele origin: germline.
Comment: The PRKD1 c.1633C>T variant is predicted to result in premature protein termination (p.Gln545*). To our knowledge, this variant has not been reported in the literature. This variant is reported in 0.0016% of alleles in individuals of European (Non-Finnish) descent in gnomAD. At this time, the clinical significance of this variant is uncertain due to the absence of conclusive functional and genetic evidence.